The following is an entry in ClinVar:

NM_001267550.2(TTN):c.3417C>A (p.Cys1139Ter)

Gene: TTN (titin; minus strand). Cytogenetic location: 2q31.2.
Variant type: single nucleotide variant.
Coding change: c.3417C>A on transcript NM_001267550.2 (MANE Select); coding-DNA position 3417, C replaced by A.
Protein change: p.Cys1139Ter; replaces cysteine 1139 with a stop codon.
Molecular consequence: nonsense.
Genome position (GRCh38, 1-based): chr2:178,781,227, G>T on the plus strand (C>A on the coding strand, the complement: TTN is on the minus strand). VCF-style: chr2-178781227-G-T. GRCh37 (hg19) VCF-style: chr2-179645954-G-T.
Other names: c.3417C>A, p.Cys1139Ter (NM_001256850.1, NM_133378.4, NM_133379.5); c.3279C>A, p.Cys1093Ter (NM_003319.4, NM_133432.3, NM_133437.4); short protein forms C1093*, C1139*.
Identifiers: ClinVar variation 2942877 (VCV002942877.3), dbSNP rs2533253534, ClinGen allele CA349483598.

ClinVar aggregate classification (germline): Likely pathogenic (1 of 4 stars; one submission).

Conditions:
Dilated cardiomyopathy 1G (CMD1G). Identifiers: Orphanet 154, MedGen C1858763, MONDO:0011400, OMIM 604145.
Autosomal recessive limb-girdle muscular dystrophy type 2J (LGMDR10). Also called: MUSCULAR DYSTROPHY, LIMB-GIRDLE, AUTOSOMAL RECESSIVE 10; Limb-girdle muscular dystrophy, type 2J. Identifiers: Orphanet 140922, MedGen C1837342, MONDO:0012127, OMIM 608807.

Submission:

Labcorp Genetics (formerly Invitae), Labcorp
Classification: Likely pathogenic for Dilated cardiomyopathy 1G; Autosomal recessive limb-girdle muscular dystrophy type 2J. Last evaluated: 2024-10-18. Review status: criteria provided, single submitter. Criteria: Invitae Variant Classification Sherloc (09022015). Collection method: clinical testing. Allele origin: germline.
Comment: This sequence change creates a premature translational stop signal (p.Cys1139*) in the TTN gene. While this is not anticipated to result in nonsense mediated decay, it is expected to create a truncated TTN protein. This variant is not present in population databases (gnomAD no frequency). This variant has not been observed in the literature in individuals with autosomal recessive TTN-related conditions. This variant has been reported in individual(s) with dilated cardiomyopathy (internal data); however, the role of the variant in this condition is currently unclear. This variant is located in the Z band of TTN (PMID: 25589632). Truncating variants in this region have been reported in individuals affected with autosomal recessive centronuclear myopathy (PMID: 33449170, internal data). Truncating variants in this region have also been identified in individuals affected with autosomal dominant dilated cardiomyopathy and/or cardio-related conditions (PMID: 27869827, 32964742, internal data). In summary, the currently available evidence indicates that the variant is pathogenic, but additional data are needed to prove that conclusively. Therefore, this variant has been classified as Likely Pathogenic.

Literature cited by the submitters: PubMed 25589632; PubMed 33449170; PubMed 27869827; PubMed 32964742.